The following is an entry in ClinVar:

NM_000489.6(ATRX):c.4130A>G (p.Glu1377Gly)

Gene: ATRX (ATRX chromatin remodeler; minus strand). Cytogenetic location: Xq21.1.
Variant type: single nucleotide variant.
Coding change: c.4130A>G on transcript NM_000489.6 (MANE Select); coding-DNA position 4130, A replaced by G.
Protein change: p.Glu1377Gly; replaces glutamic acid 1377 with glycine.
Molecular consequence: missense variant.
Genome position (GRCh38, 1-based): chrX:77,656,644, T>C on the plus strand (A>G on the coding strand, the complement: ATRX is on the minus strand). VCF-style: chrX-77656644-T-C. GRCh37 (hg19) VCF-style: chrX-76912134-T-C.
Other names: c.4016A>G, p.Glu1339Gly (NM_138270.5); short protein forms E1377G, E1339G.
Identifiers: ClinVar variation 284840 (VCV000284840.54), dbSNP rs782553301, ClinGen allele CA10457842.

ClinVar aggregate classification (germline): Conflicting classifications of pathogenicity. Review status: criteria provided, conflicting classifications (1 of 4 stars). 10 submissions from 9 submitters: Uncertain significance (5); Benign (1); Likely benign (3). 1 of the submissions does not count toward it. Last evaluated 2026-08-02.

Conditions:
Inborn genetic diseases. Identifiers: MedGen C0950123, MeSH D030342.
Acquired hemoglobin H disease (ATMDS). Also called: Alpha-thalassemia myelodysplasia syndrome, somatic; Alpha-thalassemia-myelodysplastic syndrome; Alpha-thalassemia myelodysplasia syndrome. Identifiers: Orphanet 231401, MedGen C0585216, MONDO:0010328, OMIM 300448.
Alpha thalassemia-X-linked intellectual disability syndrome (ATRX). Also called: ALPHA-THALASSEMIA/IMPAIRED INTELLECTUAL DEVELOPMENT SYNDROME, X-LINKED; ATR, NONDELETION TYPE; ALPHA-THALASSEMIA/MENTAL RETARDATION SYNDROME, X-LINKED; ATR-X syndrome; Alpha thalassemia mental retardation syndrome, nondeletion type, X-linked; XLMR hypotonic face syndrome. Identifiers: Orphanet 847, MedGen C1845055, MONDO:0010519, OMIM 301040.
Intellectual disability-hypotonic facies syndrome, X-linked, 1 (MRXHF1). Also called: X-linked intellectual disability-hypotonic face syndrome; HOLMES-GANG SYNDROME; Smith Fineman Myers syndrome 1; Chudley-Lowry-Hoar syndrome; Carpenter-Waziri syndrome; CHUDLEY-LOWRY SYNDROME. Identifiers: Orphanet 73220, Orphanet 93970, Orphanet 93971, Orphanet 93972, Orphanet 93973, Orphanet 93974, Orphanet 93975, MedGen C4759781, MONDO:0010663, OMIM 309580.

Allele frequency attached by ClinVar (database versions not stated): gnomAD exomes 0.00006 and 0.00008; TOPMed 0.00004; ExAC 0.00007; gnomAD 0.00007.
gnomAD v4.1: 70 of 1,190,691 alleles (0.0059%); highest among the groups gnomAD compares: Middle Eastern, 0.027%; no homozygotes.

Submissions (10):

GeneDx
Classification: Uncertain significance. Last evaluated: 2026-08-02. Review status: criteria provided, single submitter. Criteria: GeneDx Variant Classification Process June 2021. Collection method: clinical testing. Allele origin: germline.
Comment: In silico analysis supports that this missense variant has a deleterious effect on protein structure/function; Has not been previously published as pathogenic or benign to our knowledge

CeGaT Center for Human Genetics Tuebingen
Classification: Likely benign. Last evaluated: 2026-06-01. Review status: criteria provided, single submitter. Criteria: CeGaT Center For Human Genetics Tuebingen Variant Classification Criteria Version 2. Collection method: clinical testing. Allele origin: germline. Affected: yes. Observed: 3 variant alleles.
Comment: ATRX: BS2

Labcorp Genetics (formerly Invitae), Labcorp
Classification: Benign for Alpha thalassemia-X-linked intellectual disability syndrome. Last evaluated: 2026-01-13. Review status: criteria provided, single submitter. Criteria: Invitae Variant Classification Sherloc (09022015). Collection method: clinical testing. Allele origin: germline.

Blueprint Genetics
Classification: Likely benign. Last evaluated: 2024-03-19. Review status: criteria provided, single submitter. Criteria: ACMG Guidelines, 2015. Collection method: clinical testing. Allele origin: germline.

Center for Genomics, Ann and Robert H. Lurie Children's Hospital of Chicago
Classification: Uncertain significance for Alpha thalassemia-X-linked intellectual disability syndrome; Acquired hemoglobin H disease; Intellectual disability-hypotonic facies syndrome, X-linked, 1. Last evaluated: 2021-03-30. Review status: criteria provided, single submitter. Criteria: ACMG Guidelines, 2015. Collection method: clinical testing. Allele origin: germline.
Comment: ATRX NM_000489.4 exon 13 p.Glu1377Gly (c.4130A>G): This variant has not been reported in the literature but is present in 0.01% (8/53106) of European alleles including 1 hemizygote in the Genome Aggregation Database. This variant is present in ClinVar (Variation ID:284840). Evolutionary conservation suggest that this variant may not impact the protein; computational predictive tools for this variant are unclear. In summary, data on this variant is insufficient for disease classification. Therefore, the clinical significance of this variant is uncertain.

Center for Genomics, Ann and Robert H. Lurie Children's Hospital of Chicago
Classification: Uncertain significance for Alpha thalassemia-X-linked intellectual disability syndrome; Intellectual disability-hypotonic facies syndrome, X-linked, 1. Last evaluated: 2020-12-02. Review status: criteria provided, single submitter. Criteria: ACMG Guidelines, 2015. Collection method: clinical testing. Allele origin: germline.
Comment: the same text as in the submission from Center for Genomics, Ann and Robert H. Lurie Children's Hospital of Chicago above.

Genomic Research Center, Shahid Beheshti University of Medical Sciences
Classification: Uncertain significance. Last evaluated: 2020-05-03. Review status: criteria provided, single submitter. Criteria: ACMG Guidelines, 2015. Collection method: clinical testing. Allele origin: unknown. Affected: yes.

Ambry Genetics
Classification: Likely benign for Inborn genetic diseases. Last evaluated: 2018-12-02. Review status: criteria provided, single submitter. Criteria: Ambry Variant Classification Scheme 2023. Collection method: clinical testing. Allele origin: germline.

Eurofins Ntd Llc (ga)
Classification: Uncertain significance. Last evaluated: 2015-12-07. Review status: criteria provided, single submitter. Criteria: EGL Classification Definitions 2015. Collection method: clinical testing. Allele origin: germline. Observed: 1 variant allele, 1 hemizygote.

Natera, Inc.
Classification: Likely benign for X-linked alpha-thalassemia-mental retardation syndrome. Last evaluated: 2020-02-25. Review status: no assertion criteria provided. Collection method: clinical testing. Allele origin: germline. Not counted in ClinVar's aggregate classification.